The following is an entry in ClinVar:

ClinVar aggregate classification (germline): Uncertain significance (1 of 4 stars; one submission).

Allele frequency attached by ClinVar (database versions not stated): gnomAD 0.00001; TOPMed 0.00001; gnomAD exomes 0.00002 and 0.00003; ExAC 0.00004.
gnomAD v4.1: 49 of 1,613,684 alleles (0.003%); highest among the groups gnomAD compares: Non-Finnish European, 0.003%; no homozygotes.

Submission:

Labcorp Genetics (formerly Invitae), Labcorp
Classification: Uncertain significance. Last evaluated: 2022-10-13. Review status: criteria provided, single submitter. Criteria: Invitae Variant Classification Sherloc (09022015). Collection method: clinical testing. Allele origin: germline.
Comment: This variant is present in population databases (rs201228692, gnomAD 0.02%). In summary, the available evidence is currently insufficient to determine the role of this variant in disease. Therefore, it has been classified as a Variant of Uncertain Significance. Algorithms developed to predict the effect of missense changes on protein structure and function output the following: SIFT: "Tolerated"; PolyPhen-2: "Benign"; Align-GVGD: "Class C0". The arginine amino acid residue is found in multiple mammalian species, which suggests that this missense change does not adversely affect protein function. ClinVar contains an entry for this variant (Variation ID: 1368780). This variant has not been reported in the literature in individuals affected with LIG1-related conditions. This sequence change replaces histidine, which is basic and polar, with arginine, which is basic and polar, at codon 337 of the LIG1 protein (p.His337Arg).

NM_000234.3(LIG1):c.1010A>G (p.His337Arg)

Gene: LIG1 (DNA ligase 1; minus strand). Cytogenetic location: 19q13.33.
Variant type: single nucleotide variant.
Coding change: c.1010A>G on transcript NM_000234.3 (MANE Select); coding-DNA position 1010, A replaced by G.
Protein change: p.His337Arg; replaces histidine 337 with arginine.
Molecular consequence: missense variant. On other transcripts: non-coding transcript variant (6).
Genome position (GRCh38, 1-based): chr19:48,140,048, T>C on the plus strand (A>G on the coding strand, the complement: LIG1 is on the minus strand). VCF-style: chr19-48140048-T-C. GRCh37 (hg19) VCF-style: chr19-48643305-T-C.
Other names: c.917A>G, p.His306Arg (NM_001289063.2); c.806A>G, p.His269Arg (NM_001289064.2); c.1007A>G, p.His336Arg (NM_001320970.2); c.920A>G, p.His307Arg (NM_001320971.2); short protein forms H306R, H337R, H336R, H269R, H307R.
Identifiers: ClinVar variation 1368780 (VCV001368780.7), dbSNP rs201228692, ClinGen allele CA9547011.